The following is an entry in ClinVar:

NM_000264.5(PTCH1):c.3798C>A (p.His1266Gln)

Gene: PTCH1 (patched 1; minus strand). Cytogenetic location: 9q22.32.
Variant type: single nucleotide variant.
Coding change: c.3798C>A on transcript NM_000264.5 (MANE Select); coding-DNA position 3798, C replaced by A.
Protein change: p.His1266Gln; replaces histidine 1266 with glutamine.
Molecular consequence: missense variant. On other transcripts: non-coding transcript variant (1).
Genome position (GRCh38, 1-based): chr9:95,449,075, G>T on the plus strand (C>A on the coding strand, the complement: PTCH1 is on the minus strand). VCF-style: chr9-95449075-G-T. GRCh37 (hg19) VCF-style: chr9-98211357-G-T.
Other names: c.3600C>A, p.His1200Gln (NM_001083602.3); c.3795C>A, p.His1265Gln (NM_001083603.3); c.3345C>A, p.His1115Gln (NM_001083604.3, NM_001083605.3, NM_001083606.3 and 1 more transcripts); c.3642C>A, p.His1214Gln (NM_001354918.2); short protein forms H1200Q, H1214Q, H1265Q, H1115Q, H1266Q.
Identifiers: ClinVar variation 2920037 (VCV002920037.5), dbSNP rs2136596563, ClinGen allele CA374110915.

ClinVar aggregate classification (germline): Conflicting classifications of pathogenicity. Review status: criteria provided, conflicting classifications (1 of 4 stars). 3 submissions from 3 submitters: Uncertain significance (2); Likely benign (1). Last evaluated 2025-07-09.

Conditions:
Hereditary cancer-predisposing syndrome. Also called: Tumor predisposition; Neoplastic Syndromes, Hereditary; Hereditary Cancer Syndrome; Hereditary neoplastic syndrome. Identifiers: Orphanet 140162, MedGen C0027672, MeSH D009386, MONDO:0015356.
Basal cell carcinoma, susceptibility to, 1. Also called: BCC1. Identifiers: MedGen C2751544, MONDO:0011556, OMIM 605462.
Gorlin syndrome. Also called: Nevoid Basal Cell Carcinoma Syndrome; Basal cell nevus syndrome. Identifiers: Orphanet 377, MedGen C0004779, MONDO:0007187.

gnomAD v4.1: 2 of 1,614,242 alleles (0.00012%); highest among the groups gnomAD compares: Non-Finnish European, 0.00017%; no homozygotes.

Submissions (3):

Ambry Genetics
Classification: Likely benign for Hereditary cancer-predisposing syndrome. Last evaluated: 2025-07-09. Review status: criteria provided, single submitter. Criteria: Ambry Variant Classification Scheme 2023. Collection method: clinical testing. Allele origin: germline.

Baylor Genetics
Classification: Uncertain significance for Basal cell carcinoma, susceptibility to, 1. Last evaluated: 2023-12-11. Review status: criteria provided, single submitter. Criteria: ACMG Guidelines, 2015. Collection method: clinical testing. Allele origin: unknown.

Labcorp Genetics (formerly Invitae), Labcorp
Classification: Uncertain significance for Gorlin syndrome. Last evaluated: 2023-08-31. Review status: criteria provided, single submitter. Criteria: Invitae Variant Classification Sherloc (09022015). Collection method: clinical testing. Allele origin: germline.
Comment: This sequence change replaces histidine, which is basic and polar, with glutamine, which is neutral and polar, at codon 1266 of the PTCH1 protein (p.His1266Gln). This variant is not present in population databases (gnomAD no frequency). This variant has not been reported in the literature in individuals affected with PTCH1-related conditions. Advanced modeling of protein sequence and biophysical properties (such as structural, functional, and spatial information, amino acid conservation, physicochemical variation, residue mobility, and thermodynamic stability) performed at Invitae indicates that this missense variant is not expected to disrupt PTCH1 protein function. In summary, the available evidence is currently insufficient to determine the role of this variant in disease. Therefore, it has been classified as a Variant of Uncertain Significance.